The following is an entry in ClinVar:

NM_001084.5(PLOD3):c.1969C>T (p.Arg657Trp)

Gene: PLOD3 (procollagen-lysine,2-oxoglutarate 5-dioxygenase 3; minus strand). Cytogenetic location: 7q22.1.
Variant type: single nucleotide variant.
Coding change: c.1969C>T on transcript NM_001084.5 (MANE Select); coding-DNA position 1969, C replaced by T.
Protein change: p.Arg657Trp; replaces arginine 657 with tryptophan.
Molecular consequence: missense variant.
Genome position (GRCh38, 1-based): chr7:101,206,871, G>A on the plus strand (C>T on the coding strand, the complement: PLOD3 is on the minus strand). VCF-style: chr7-101206871-G-A. GRCh37 (hg19) VCF-style: chr7-100850152-G-A.
Other names: short protein forms R657W.
Identifiers: ClinVar variation 1970364 (VCV001970364.5), dbSNP rs747745259, ClinGen allele CA4407434.
Genomic context (GRCh38, chr7:101,206,871, plus strand): 5'-CGTTGAGGGTGAAGGTGGATGAGTCGTGGTGTGGCCGCAGAGACGGCTGCTCGTCTGGCC[G>A]GTAGCGAACCACAAAGTTCATCACCGCCCGCGCCTGGGGGAGAGGAGGGAAGAGGCTGCA-3'
Protein context (NP_001075.1, residues 647-667): RAVMNFVVRY[Arg657Trp]PDEQPSLRPH

ClinVar aggregate classification (germline): Uncertain significance (1 of 4 stars; one submission).

Allele frequency attached by ClinVar (database versions not stated): gnomAD 0.00001; gnomAD exomes 0.00001.
gnomAD v4.1: 8 of 1,560,376 alleles (0.00051%); highest among the groups gnomAD compares: South Asian, 0.0024%; no homozygotes.

Submission:

Labcorp Genetics (formerly Invitae), Labcorp
Classification: Uncertain significance. Last evaluated: 2022-05-25. Review status: criteria provided, single submitter. Criteria: Invitae Variant Classification Sherloc (09022015). Collection method: clinical testing. Allele origin: germline.
Comment: Algorithms developed to predict the effect of missense changes on protein structure and function are either unavailable or do not agree on the potential impact of this missense change (SIFT: "Deleterious"; PolyPhen-2: "Possibly Damaging"; Align-GVGD: "Class C0"). In summary, the available evidence is currently insufficient to determine the role of this variant in disease. Therefore, it has been classified as a Variant of Uncertain Significance. This variant has not been reported in the literature in individuals affected with PLOD3-related conditions. The frequency data for this variant in the population databases is considered unreliable, as metrics indicate poor data quality at this position in the gnomAD database. This sequence change replaces arginine, which is basic and polar, with tryptophan, which is neutral and slightly polar, at codon 657 of the PLOD3 protein (p.Arg657Trp).